The following is an entry in ClinVar:

NM_018446.4(GLT8D1):c.1028C>T (p.Thr343Ile)

Gene: GLT8D1 (glycosyltransferase 8 domain containing 1; minus strand). Cytogenetic location: 3p21.1.
Variant type: single nucleotide variant.
Coding change: c.1028C>T on transcript NM_018446.4 (MANE Select); coding-DNA position 1028, C replaced by T.
Protein change: p.Thr343Ile; replaces threonine 343 with isoleucine.
Molecular consequence: missense variant.
Genome position (GRCh38, 1-based): chr3:52,694,933, G>A on the plus strand (C>T on the coding strand, the complement: GLT8D1 is on the minus strand). VCF-style: chr3-52694933-G-A. GRCh37 (hg19) VCF-style: chr3-52728949-G-A.
Other names: c.1028C>T, p.Thr343Ile (NM_001010983.3, NM_001278280.2, NM_001278281.2 and 1 more transcripts); short protein forms T343I.
Identifiers: ClinVar variation 2357823 (VCV002357823.26), dbSNP rs147971167, ClinGen allele CA2445617.
Genomic context (GRCh38, chr3:52,694,933, plus strand): 5'-CTTCGGATTAGGTTGAATTTGCCTGTTGGGTCTGGAATATACCATTTTTCCCAAACATCA[G>A]TATATGAAGCAGTCCTTCCCCATGGCTTCAAATGTCCATTCCAATGGAGTAACTTGGCAG-3'
Protein context (NP_060916.1, residues 333-353): LKPWGRTASY[Thr343Ile]DVWEKWYIPD

ClinVar aggregate classification (germline): Conflicting classifications of pathogenicity. Review status: criteria provided, conflicting classifications (1 of 4 stars). 2 submissions from 2 submitters: Uncertain significance (1); Likely benign (1). Last evaluated 2023-09-01.

Allele frequency attached by ClinVar (database versions not stated): TOPMed 0.00001; ExAC 0.00002; gnomAD 0.00003; ESP Exome Variant Server 0.00008.
gnomAD v4.1: 108 of 1,609,510 alleles (0.0067%); highest among the groups gnomAD compares: Non-Finnish European, 0.0091%; no homozygotes.

Submissions (2):

CeGaT Center for Human Genetics Tuebingen
Classification: Likely benign. Last evaluated: 2023-09-01. Review status: criteria provided, single submitter. Criteria: CeGaT Center For Human Genetics Tuebingen Variant Classification Criteria Version 2. Collection method: clinical testing. Allele origin: germline. Affected: yes. Observed: 1 variant allele.
Comment: GLT8D1: BP4

Ambry Genetics
Classification: Uncertain significance. Last evaluated: 2022-07-22. Review status: criteria provided, single submitter. Criteria: Ambry Variant Classification Scheme 2023. Collection method: clinical testing. Allele origin: germline.